The following is an entry in ClinVar:

NM_001374736.1(DST):c.4997A>T (p.Asn1666Ile)

Gene: DST (dystonin; minus strand). Cytogenetic location: 6p12.1.
Variant type: single nucleotide variant.
Coding change: c.4997A>T on transcript NM_001374736.1 (MANE Select); coding-DNA position 4997, A replaced by T.
Protein change: p.Asn1666Ile; replaces asparagine 1666 with isoleucine.
Molecular consequence: missense variant.
Genome position (GRCh38, 1-based): chr6:56,614,417, T>A on the plus strand (A>T on the coding strand, the complement: DST is on the minus strand). VCF-style: chr6-56614417-T-A. GRCh37 (hg19) VCF-style: chr6-56479215-T-A.
Other names: p.Asn1129Ile; c.5024A>T, p.Asn1675Ile (NM_001374734.1); c.4364A>T, p.Asn1455Ile (NM_001386100.1, NM_183380.4, NM_001374729.1 and 1 more transcripts); c.3386A>T, p.Asn1129Ile (NM_015548.5); c.4898A>T, p.Asn1633Ile (NM_001144769.5); c.4484A>T, p.Asn1495Ile (NM_001144770.2); c.4997A>T, p.Asn1666Ile (NM_001374722.1); short protein forms N1455I, N1666I, N1675I, N1129I, N1495I, N1633I.
Identifiers: ClinVar variation 702839 (VCV000702839.52), dbSNP rs183804748, ClinGen allele CA3869841.
Genomic context (GRCh38, chr6:56,614,417, plus strand): 5'-TTTTGCTTAGAGAAGGGAGGTTTTCCAGCCTTCTCTGCATCTTTCAATGTCTTGCTGATA[T>A]TTGATACCCATTTTTGCAATTCTTTGGCTTTTTCAACATGTTCTTTCTTTTCTTCTTCCA-3'
Protein context (NP_001361665.1, residues 1656-1676): KAKELQKWVS[Asn1666Ile]ISKTLKDAEK

ClinVar aggregate classification (germline): Likely benign. Review status: criteria provided, multiple submitters, no conflicts (2 of 4 stars). 5 submissions from 5 submitters: Likely benign (5). Last evaluated 2026-08-01.

Conditions:
Inborn genetic diseases. Identifiers: MedGen C0950123, MeSH D030342.
Hereditary sensory and autonomic neuropathy type 6. Also called: Neuropathy, hereditary sensory and autonomic, type VI; HSAN VI. Identifiers: Orphanet 314381, MedGen C3539003, MONDO:0013839, OMIM 614653.
Epidermolysis bullosa simplex 3, localized or generalized intermediate, with BP230 deficiency (EBS3). Also called: Epidermolysis bullosa simplex, autosomal recessive 2; Epidermolysis bullosa simplex due to BP230 deficiency. Identifiers: Orphanet 412181, MedGen C3809470, MONDO:0014180, OMIM 615425.

Allele frequency attached by ClinVar (database versions not stated): ESP Exome Variant Server 0.00068; gnomAD exomes 0.00094 and 0.00112; ExAC 0.00100; TOPMed 0.00150; 1000 Genomes Project 0.00080; 1000 Genomes Project 30x 0.00078; gnomAD 0.00117 and 0.00118.
gnomAD v4.1: 1,593 of 1,611,782 alleles (0.099%); highest among the groups gnomAD compares: Middle Eastern, 0.3%; 3 homozygotes.

Submissions (5):

CeGaT Center for Human Genetics Tuebingen
Classification: Likely benign. Last evaluated: 2026-08-01. Review status: criteria provided, single submitter. Criteria: CeGaT Center For Human Genetics Tuebingen Variant Classification Criteria Version 2. Collection method: clinical testing. Allele origin: germline. Affected: yes. Observed: 12 variant alleles.
Comment: DST: BP4, BS2

Labcorp Genetics (formerly Invitae), Labcorp
Classification: Likely benign for Epidermolysis bullosa simplex 3, localized or generalized intermediate, with BP230 deficiency; Hereditary sensory and autonomic neuropathy type 6. Last evaluated: 2026-01-17. Review status: criteria provided, single submitter. Criteria: Invitae Variant Classification Sherloc (09022015). Collection method: clinical testing. Allele origin: germline.

Mayo Clinic Laboratories, Mayo Clinic
Classification: Likely benign. Last evaluated: 2024-11-25. Review status: criteria provided, single submitter. Criteria: ACMG Guidelines, 2015. Collection method: clinical testing. Allele origin: germline. Observed: 9 variant alleles.
Comment: BS1, BP4

Blueprint Genetics
Classification: Likely benign. Last evaluated: 2024-11-13. Review status: criteria provided, single submitter. Criteria: ACMG Guidelines, 2015. Collection method: clinical testing. Allele origin: germline.

Ambry Genetics
Classification: Likely benign for Inborn genetic diseases. Last evaluated: 2019-09-03. Review status: criteria provided, single submitter. Criteria: Ambry Variant Classification Scheme 2023. Collection method: clinical testing. Allele origin: germline.